The following is an entry in ClinVar:

NM_000094.4(COL7A1):c.4057G>A (p.Gly1353Arg)

Gene: COL7A1 (collagen type VII alpha 1 chain; minus strand). Cytogenetic location: 3p21.31.
Variant type: single nucleotide variant.
Coding change: c.4057G>A on transcript NM_000094.4 (MANE Select); coding-DNA position 4057, G replaced by A.
Protein change: p.Gly1353Arg; replaces glycine 1353 with arginine.
Molecular consequence: missense variant.
Genome position (GRCh38, 1-based): chr3:48,584,547, C>T on the plus strand (G>A on the coding strand, the complement: COL7A1 is on the minus strand). VCF-style: chr3-48584547-C-T. GRCh37 (hg19) VCF-style: chr3-48621980-C-T.
Other names: short protein forms G1353R.
Identifiers: ClinVar variation 2139312 (VCV002139312.4), dbSNP rs149361101, ClinGen allele CA2380237.

ClinVar aggregate classification (germline): Uncertain significance. Review status: criteria provided, multiple submitters, no conflicts (2 of 4 stars). 2 submissions from 2 submitters: Uncertain significance (2). Last evaluated 2024-10-22.

Allele frequency attached by ClinVar (database versions not stated): ExAC 0.00003; TOPMed 0.00003; gnomAD exomes 0.00004; ESP Exome Variant Server 0.00008.
gnomAD v4.1: 50 of 1,614,096 alleles (0.0031%); highest among the groups gnomAD compares: Non-Finnish European, 0.004%; no homozygotes.

Submissions (2):

Labcorp Genetics (formerly Invitae), Labcorp
Classification: Uncertain significance. Last evaluated: 2024-10-22. Review status: criteria provided, single submitter. Criteria: Invitae Variant Classification Sherloc (09022015). Collection method: clinical testing. Allele origin: germline.
Comment: This sequence change replaces glycine, which is neutral and non-polar, with arginine, which is basic and polar, at codon 1353 of the COL7A1 protein (p.Gly1353Arg). This variant is present in population databases (rs149361101, gnomAD 0.004%). This variant has not been reported in the literature in individuals affected with COL7A1-related conditions. ClinVar contains an entry for this variant (Variation ID: 2139312). Invitae Evidence Modeling of protein sequence and biophysical properties (such as structural, functional, and spatial information, amino acid conservation, physicochemical variation, residue mobility, and thermodynamic stability) has been performed for this missense variant. However, the output from this modeling did not meet the statistical confidence thresholds required to predict the impact of this variant on COL7A1 protein function. In summary, the available evidence is currently insufficient to determine the role of this variant in disease. Therefore, it has been classified as a Variant of Uncertain Significance.

GeneDx
Classification: Uncertain significance. Last evaluated: 2022-08-06. Review status: criteria provided, single submitter. Criteria: GeneDx Variant Classification Process June 2021. Collection method: clinical testing. Allele origin: germline. Affected: yes.
Comment: Located in the highly conserved Gly-X-Y repeat of the collagenous domain; Glycine substitution variants in this region of the COLVII protein destabilize the collagen triple helix resulting in skin fragility due to poor anchoring of the basement membrane to the underlying dermis (Pfendner and Lucky, 2018); In silico analysis supports that this missense variant has a deleterious effect on protein structure/function; Has not been previously published as pathogenic or benign to our knowledge